The following is an entry in ClinVar:

NM_006015.6(ARID1A):c.4542G>A (p.Thr1514=)

Gene: ARID1A (AT-rich interaction domain 1A; plus strand). Cytogenetic location: 1p36.11.
Variant type: single nucleotide variant.
Coding change: c.4542G>A on transcript NM_006015.6 (MANE Select); coding-DNA position 4542, G replaced by A.
Protein change: p.Thr1514=; no amino-acid change (threonine 1514 retained).
Molecular consequence: synonymous variant. On other transcripts: intron variant (1).
Genome position (GRCh38, 1-based): chr1:26,774,769, G>A. VCF-style: chr1-26774769-G-A. GRCh37 (hg19) VCF-style: chr1-27101260-G-A.
Other names: c.4102-211G>A (NM_139135.4).
Identifiers: ClinVar variation 1265878 (VCV001265878.9), dbSNP rs560211386, ClinGen allele CA707474.

ClinVar aggregate classification (germline): Benign. Review status: criteria provided, multiple submitters, no conflicts (2 of 4 stars). 3 submissions from 3 submitters: Benign (2). 1 of the submissions does not count toward it. Last evaluated 2025-05-23.

Conditions:
ARID1A-related disorder. Also called: ARID1A-related condition.

Allele frequency attached by ClinVar (database versions not stated): gnomAD 0.00010 and 0.00012; TOPMed 0.00015; ExAC 0.00026; 1000 Genomes Project 0.00060; 1000 Genomes Project 30x 0.00062.
gnomAD v4.1: 96 of 1,614,230 alleles (0.0059%); highest among the groups gnomAD compares: East Asian, 0.17%; no homozygotes.

Submissions (3):

Labcorp Genetics (formerly Invitae), Labcorp
Classification: Benign. Last evaluated: 2025-05-23. Review status: criteria provided, single submitter. Criteria: Invitae Variant Classification Sherloc (09022015). Collection method: clinical testing. Allele origin: germline.

GeneDx
Classification: Benign. Last evaluated: 2021-03-14. Review status: criteria provided, single submitter. Criteria: GeneDx Variant Classification Process June 2021. Collection method: clinical testing. Allele origin: germline. Affected: yes.

PreventionGenetics, part of Exact Sciences
Classification: Likely benign for ARID1A-related condition. Last evaluated: 2022-08-29. Review status: no assertion criteria provided. Collection method: clinical testing. Allele origin: germline. Not counted in ClinVar's aggregate classification.
Comment: This variant is classified as likely benign based on ACMG/AMP sequence variant interpretation guidelines (Richards et al. 2015 PMID: 25741868, with internal and published modifications).